The following is an entry in ClinVar:

NM_004393.6(DAG1):c.2271C>T (p.Ala757=)

Gene: DAG1 (dystroglycan 1; plus strand). Cytogenetic location: 3p21.31.
Variant type: single nucleotide variant.
Coding change: c.2271C>T on transcript NM_004393.6 (MANE Select); coding-DNA position 2271, C replaced by T.
Protein change: p.Ala757=; no amino-acid change (alanine 757 retained).
Molecular consequence: synonymous variant.
Genome position (GRCh38, 1-based): chr3:49,532,782, C>T. VCF-style: chr3-49532782-C-T. GRCh37 (hg19) VCF-style: chr3-49570215-C-T.
Other names: p.Ala757=; c.2271C>T, p.Ala757= (NM_001165928.4, NM_001177634.3, NM_001177635.3 and 9 more transcripts); c.2271C>T (NM_004393.4).
Identifiers: ClinVar variation 383114 (VCV000383114.16), dbSNP rs78281659, ClinGen allele CA2399236.

ClinVar aggregate classification (germline): Benign. Review status: criteria provided, multiple submitters, no conflicts (2 of 4 stars). 5 submissions from 5 submitters: Benign (5). Last evaluated 2026-02-02.

Conditions:
Autosomal recessive limb-girdle muscular dystrophy type 2P. Also called: Limb-Girdle Muscular Dystrophy Type 9C; MUSCULAR DYSTROPHY, LIMB-GIRDLE, TYPE 2P; MUSCULAR DYSTROPHY-DYSTROGLYCANOPATHY, LIMB-GIRDLE, DAG1-RELATED. Identifiers: Orphanet 280333, MedGen C4511963, MONDO:0013440, OMIM 613818.
Muscular dystrophy-dystroglycanopathy (congenital with brain and eye anomalies), type A9. Also called: WALKER-WARBURG SYNDROME OR MUSCLE-EYE BRAIN DISEASE, DAG1-RELATED; Muscular dystrophy-dystroglycanopathy (congenital with brain and eye anomalies), type a, 9. Identifiers: Orphanet 370997, Orphanet 899, MedGen C4225291, MONDO:0014683, OMIM 616538.

Allele frequency attached by ClinVar (database versions not stated): gnomAD exomes 0.00107 and 0.00229; ExAC 0.00271; ESP Exome Variant Server 0.00723; gnomAD 0.00745 and 0.00786; TOPMed 0.00804; 1000 Genomes Project 0.00859; 1000 Genomes Project 30x 0.00937.
gnomAD v4.1: 2,777 of 1,614,062 alleles (0.17%); highest among the groups gnomAD compares: African/African-American, 2.6%; 34 homozygotes.

Submissions (5):

Labcorp Genetics (formerly Invitae), Labcorp
Classification: Benign for Autosomal recessive limb-girdle muscular dystrophy type 2P; Muscular dystrophy-dystroglycanopathy (congenital with brain and eye anomalies), type A9. Last evaluated: 2026-02-02. Review status: criteria provided, single submitter. Criteria: Invitae Variant Classification Sherloc (09022015). Collection method: clinical testing. Allele origin: germline.

Athena Diagnostics
Classification: Benign. Last evaluated: 2025-09-19. Review status: criteria provided, single submitter. Criteria: Athena Diagnostics Criteria. Collection method: clinical testing. Allele origin: unknown.
Comment: The frequency of this variant in the general population is higher than would generally be expected for pathogenic variants in this gene. Computational tools yielded predictions that this variant is unlikely to have an effect on normal RNA splicing. This nucleotide position exhibits low evolutionary conservation.

Mayo Clinic Laboratories, Mayo Clinic
Classification: Benign. Last evaluated: 2018-07-11. Review status: criteria provided, single submitter. Criteria: ACMG Guidelines, 2015. Collection method: clinical testing. Allele origin: germline. Observed: 4 variant alleles.

GeneDx
Classification: Benign. Last evaluated: 2016-07-28. Review status: criteria provided, single submitter. Criteria: GeneDx Variant Classification (06012015). Collection method: clinical testing. Allele origin: germline. Affected: yes.
Comment: This variant is considered likely benign or benign based on one or more of the following criteria: it is a conservative change, it occurs at a poorly conserved position in the protein, it is predicted to be benign by multiple in silico algorithms, and/or has population frequency not consistent with disease.

Breakthrough Genomics
Classification: Benign. Review status: criteria provided, single submitter. Criteria: ACMG Guidelines, 2015. Collection method: not provided. Allele origin: germline. Inheritance: Autosomal recessive inheritance. Affected: yes.